The following is an entry in ClinVar:

NM_001813.3(CENPE):c.204A>G (p.Ala68=)

Gene: CENPE (centromere protein E; minus strand). Cytogenetic location: 4q24.
Variant type: single nucleotide variant.
Coding change: c.204A>G on transcript NM_001813.3 (MANE Select); coding-DNA position 204, A replaced by G.
Protein change: p.Ala68=; no amino-acid change (alanine 68 retained).
Molecular consequence: synonymous variant.
Genome position (GRCh38, 1-based): chr4:103,196,197, T>C on the plus strand (A>G on the coding strand, the complement: CENPE is on the minus strand). VCF-style: chr4-103196197-T-C. GRCh37 (hg19) VCF-style: chr4-104117354-T-C.
Other names: c.204A>G, p.Ala68= (NM_001286734.2).
Identifiers: ClinVar variation 2654988 (VCV002654988.24), dbSNP rs146757212, ClinGen allele CA3030820.
Genomic context (GRCh38, chr4:103,196,197, plus strand): 5'-TTCTGCAGCATTGAGTGAATACAAACCATTGTAGCCTTGTATGGCAGAATCGATGATTGG[T>C]GCTGCTATTTCTTCATACACATTTTTGGTAGTTTCATTACCATGAAAGACACGATCTAAA-3'
Protein context (NP_001804.2, residues 58-78): TTKNVYEEIA[Ala68=]PIIDSAIQGY

ClinVar aggregate classification (germline): Likely benign (1 of 4 stars; one submission).

Allele frequency attached by ClinVar (database versions not stated): ExAC 0.00007; gnomAD 0.00011; TOPMed 0.00013; gnomAD exomes 0.00014; ESP Exome Variant Server 0.00023.
gnomAD v4.1: 218 of 1,613,768 alleles (0.014%); highest among the groups gnomAD compares: Non-Finnish European, 0.017%; no homozygotes.

Submission:

CeGaT Center for Human Genetics Tuebingen
Classification: Likely benign. Last evaluated: 2022-05-01. Review status: criteria provided, single submitter. Criteria: CeGaT Center For Human Genetics Tuebingen Variant Classification Criteria Version 2. Collection method: clinical testing. Allele origin: germline. Affected: yes. Observed: 1 variant allele.
Comment: CENPE: BP4, BP7